The following is an entry in ClinVar:

NM_001261826.3(AP3D1):c.614A>G (p.Asn205Ser)

Gene: AP3D1 (adaptor related protein complex 3 subunit delta 1; minus strand). Cytogenetic location: 19p13.3.
Variant type: single nucleotide variant.
Coding change: c.614A>G on transcript NM_001261826.3 (MANE Select); coding-DNA position 614, A replaced by G.
Protein change: p.Asn205Ser; replaces asparagine 205 with serine.
Molecular consequence: missense variant.
Genome position (GRCh38, 1-based): chr19:2,129,436, T>C on the plus strand (A>G on the coding strand, the complement: AP3D1 is on the minus strand). VCF-style: chr19-2129436-T-C. GRCh37 (hg19) VCF-style: chr19-2129435-T-C.
Other names: c.614A>G, p.Asn205Ser (NM_001374799.1, NM_003938.8); short protein forms N205S.
Identifiers: ClinVar variation 1407893 (VCV001407893.7), dbSNP rs753212898, ClinGen allele CA9059635.
Genomic context (GRCh38, chr19:2,129,436, plus strand): 5'-AAGAGCGGGGCCAGGGACAGGTAGTTCTTAGGGTTGCGTCTGGCCAGCTCGCAGATGACA[T>C]TGACGGCAGCCGACTGAACCCCTGGGGAACAAGGGGTTCTCATCAGCATGCCTGTCCTTC-3'
Protein context (NP_001248755.1, residues 195-215): PDPGVQSAAV[Asn205Ser]VICELARRNP

ClinVar aggregate classification (germline): Uncertain significance (1 of 4 stars; one submission).

Allele frequency attached by ClinVar (database versions not stated): ExAC 0.00002; gnomAD 0.00002; gnomAD exomes 0.00002; TOPMed 0.00002.
gnomAD v4.1: 17 of 1,613,808 alleles (0.0011%); highest among the groups gnomAD compares: South Asian, 0.0055%; no homozygotes.

Submission:

Labcorp Genetics (formerly Invitae), Labcorp
Classification: Uncertain significance. Last evaluated: 2023-12-25. Review status: criteria provided, single submitter. Criteria: Invitae Variant Classification Sherloc (09022015). Collection method: clinical testing. Allele origin: germline.
Comment: This sequence change replaces asparagine, which is neutral and polar, with serine, which is neutral and polar, at codon 205 of the AP3D1 protein (p.Asn205Ser). This variant is present in population databases (rs753212898, gnomAD 0.006%). This variant has not been reported in the literature in individuals affected with AP3D1-related conditions. ClinVar contains an entry for this variant (Variation ID: 1407893). An algorithm developed to predict the effect of missense changes on protein structure and function (PolyPhen-2) suggests that this variant is likely to be disruptive. In summary, the available evidence is currently insufficient to determine the role of this variant in disease. Therefore, it has been classified as a Variant of Uncertain Significance.